The following is an entry in ClinVar:

ClinVar aggregate classification (germline): Uncertain significance (1 of 4 stars; one submission).

Submission:

Women's Health and Genetics/Laboratory Corporation of America, LabCorp
Classification: Uncertain significance. Last evaluated: 2024-03-15. Review status: criteria provided, single submitter. Criteria: LabCorp Variant Classification Summary - May 2015. Collection method: clinical testing. Allele origin: germline.
Comment: Variant summary: SGSH c.1176C>G (p.Phe392Leu) results in a non-conservative amino acid change in the encoded protein sequence. Three of five in-silico tools predict a damaging effect of the variant on protein function. The variant was absent in 251072 control chromosomes (gnomAD). The available data on variant occurrences in the general population are insufficient to allow any conclusion about variant significance. To our knowledge, no occurrence of c.1176C>G in individuals affected with Mucopolysaccharidosis Type IIIA (Sanfilippo Syndrome A) and no experimental evidence demonstrating its impact on protein function have been reported. No submitters have cited clinical-significance assessments for this variant to ClinVar. Based on the evidence outlined above, the variant was classified as uncertain significance.

NM_000199.5(SGSH):c.1176C>G (p.Phe392Leu)

Gene: SGSH (N-sulfoglucosamine sulfohydrolase; minus strand). Cytogenetic location: 17q25.3.
Variant type: single nucleotide variant.
Coding change: c.1176C>G on transcript NM_000199.5 (MANE Select); coding-DNA position 1176, C replaced by G.
Protein change: p.Phe392Leu; replaces phenylalanine 392 with leucine.
Molecular consequence: missense variant. On other transcripts: 3 prime UTR variant (2), non-coding transcript variant (1).
Genome position (GRCh38, 1-based): chr17:80,210,785, G>C on the plus strand (C>G on the coding strand, the complement: SGSH is on the minus strand). VCF-style: chr17-80210785-G-C. GRCh37 (hg19) VCF-style: chr17-78184584-G-C.
Other names: c.*263C>G (NM_001352921.3); c.*226C>G (NM_001352922.2); short protein forms F392L.
Identifiers: ClinVar variation 3233921 (VCV003233921.2), dbSNP rs1286662072, ClinGen allele CA401358986.